The following is an entry in ClinVar:

ClinVar aggregate classification (germline): Uncertain significance. Review status: criteria provided, multiple submitters, no conflicts (2 of 4 stars). 2 submissions from 2 submitters: Uncertain significance (2). Last evaluated 2024-09-23.

Allele frequency attached by ClinVar (database versions not stated): ExAC 0.00002; TOPMed 0.00003; gnomAD 0.00005.

Submissions (2):

Blueprint Genetics
Classification: Uncertain significance. Last evaluated: 2024-09-23. Review status: criteria provided, single submitter. Criteria: ACMG Guidelines, 2015. Collection method: clinical testing. Allele origin: germline.

Labcorp Genetics (formerly Invitae), Labcorp
Classification: Uncertain significance. Last evaluated: 2022-08-05. Review status: criteria provided, single submitter. Criteria: Invitae Variant Classification Sherloc (09022015). Collection method: clinical testing. Allele origin: germline.
Comment: This sequence change replaces aspartic acid, which is acidic and polar, with tyrosine, which is neutral and polar, at codon 270 of the USH1C protein (p.Asp270Tyr). This variant is present in population databases (rs754263265, gnomAD 0.006%). This variant has not been reported in the literature in individuals affected with USH1C-related conditions. Algorithms developed to predict the effect of missense changes on protein structure and function are either unavailable or do not agree on the potential impact of this missense change (SIFT: "Tolerated"; PolyPhen-2: "Possibly Damaging"; Align-GVGD: "Class C0"). In summary, the available evidence is currently insufficient to determine the role of this variant in disease. Therefore, it has been classified as a Variant of Uncertain Significance.

NM_153676.4(USH1C):c.808G>T (p.Asp270Tyr)

Gene: USH1C (USH1 protein network component harmonin; minus strand). Cytogenetic location: 11p15.1.
Variant type: single nucleotide variant.
Coding change: c.808G>T on transcript NM_153676.4 (MANE Select); coding-DNA position 808, G replaced by T.
Protein change: p.Asp270Tyr; replaces aspartic acid 270 with tyrosine.
Molecular consequence: missense variant. On other transcripts: non-coding transcript variant (1).
Genome position (GRCh38, 1-based): chr11:17,523,430, C>A on the plus strand (G>T on the coding strand, the complement: USH1C is on the minus strand). VCF-style: chr11-17523430-C-A. GRCh37 (hg19) VCF-style: chr11-17544977-C-A.
Other names: c.808G>T, p.Asp270Tyr (NM_001297764.2, NM_005709.4); short protein forms D270Y.
Identifiers: ClinVar variation 2080716 (VCV002080716.2), dbSNP rs754263265, ClinGen allele CA5904870.